The following is an entry in ClinVar:

ClinVar aggregate classification (germline): Pathogenic (1 of 4 stars; one submission).

Conditions:
Breast-ovarian cancer, familial, susceptibility to, 1 (BROVCA1). Also called: BRCA1 Hereditary Breast and Ovarian Cancer; OVARIAN CANCER, SUSCEPTIBILITY TO. Identifiers: Orphanet 145, MedGen C2676676, MONDO:0011450, OMIM 604370. Disease mechanism: loss of function.

Submission:

Myriad Genetics, Inc.
Classification: Pathogenic for Breast-ovarian cancer, familial, susceptibility to, 1. Last evaluated: 2023-03-23. Review status: criteria provided, single submitter. Criteria: Myriad Autosomal Dominant, Autosomal Recessive and X-Linked Classification Criteria (2023). Collection method: clinical testing. Allele origin: unknown.
Comment: This variant is considered pathogenic. This variant creates a frameshift predicted to result in premature protein truncation.

NM_007294.4(BRCA1):c.2884_2888del (p.Glu962fs)

Gene: BRCA1 (BRCA1 DNA repair associated; minus strand). Cytogenetic location: 17q21.31.
Variant type: Deletion.
Coding change: c.2884_2888del on transcript NM_007294.4 (MANE Select); coding-DNA positions 2884 to 2888, 5 bases deleted (GAAAC; older notation c.2884_2888delGAAAC).
Protein change: p.Glu962fs; shifts the reading frame from glutamic acid 962.
Molecular consequence: frameshift variant. On other transcripts: intron variant (137).
Genome position (GRCh38, 1-based): chr17:43,092,643-43,092,647, GTTTC deleted on the plus strand (GAAAC on the coding strand, the reverse complement: BRCA1 is on the minus strand); deleting any 5 consecutive bases within chr17:43,092,643-43,092,650 gives the same sequence; the c. name uses the placement nearest the transcript's 3' end. VCF-style (leftmost placement, unchanged base first): chr17-43092642-AGTTTC-A. GRCh37 (hg19) VCF-style: chr17-41244659-AGTTTC-A.
Other names: c.2671_2675del, p.Glu891fs (NM_001407896.1, NM_001407897.1, NM_001407898.1 and 9 more transcripts); c.2620_2624del, p.Glu874fs (NM_001407921.1, NM_001407922.1, NM_001407923.1 and 9 more transcripts); c.2617_2621del, p.Glu873fs (NM_001407930.1, NM_001407931.1, NM_001407932.1 and 2 more transcripts); c.2761_2765del, p.Glu921fs (NM_001407937.1, NM_001407677.1, NM_001407678.1 and 19 more transcripts); c.2884_2888del, p.Glu962fs (NM_001407684.1, NM_001407640.1, NM_001407641.1 and 30 more transcripts); c.2758_2762del, p.Glu920fs (NM_001407685.1, NM_001407686.1, NM_001407687.1 and 11 more transcripts); c.2743_2747del, p.Glu915fs (NM_001407692.1, NM_001407694.1, NM_001407695.1 and 29 more transcripts); c.2674_2678del, p.Glu892fs (NM_001407900.1, NM_001407902.1, NM_001407904.1 and 13 more transcripts); and 41 more; short protein forms E666fs, E794fs, E834fs, E835fs, E850fs, E851fs, E873fs, E874fs.
Identifiers: ClinVar variation 2573247 (VCV002573247.1), dbSNP rs2552181746, ClinGen allele CA2580612664.